The following is an entry in ClinVar:

NM_012414.4(RAB3GAP2):c.1260C>T (p.Arg420=)

Gene: RAB3GAP2 (RAB3 GTPase activating non-catalytic protein subunit 2; minus strand). Cytogenetic location: 1q41.
Variant type: single nucleotide variant.
Coding change: c.1260C>T on transcript NM_012414.4 (MANE Select); coding-DNA position 1260, C replaced by T.
Protein change: p.Arg420=; no amino-acid change (arginine 420 retained).
Molecular consequence: synonymous variant.
Genome position (GRCh38, 1-based): chr1:220,193,250, G>A on the plus strand (C>T on the coding strand, the complement: RAB3GAP2 is on the minus strand). VCF-style: chr1-220193250-G-A. GRCh37 (hg19) VCF-style: chr1-220366592-G-A.
Identifiers: ClinVar variation 963900 (VCV000963900.10), dbSNP rs1658659314, ClinGen allele CA423169634.

ClinVar aggregate classification (germline): Conflicting classifications of pathogenicity. Review status: criteria provided, conflicting classifications (1 of 4 stars). 2 submissions from 2 submitters: Uncertain significance (1); Likely benign (1). Last evaluated 2024-10-16.

Conditions:
Warburg micro syndrome 2 (WARBM2). Also called: MICRO SYNDROME 2. Identifiers: Orphanet 2510, MedGen C3280214, MONDO:0013641, OMIM 614225.
Martsolf syndrome (MARTS). Also called: Congenital cataract with intellectual disability and hypogonadotropic hypogonadism syndrome. Identifiers: Orphanet 1387, MedGen C0796037, MONDO:0023910.

Submissions (2):

Blueprint Genetics
Classification: Likely benign. Last evaluated: 2024-10-16. Review status: criteria provided, single submitter. Criteria: ACMG Guidelines, 2015. Collection method: clinical testing. Allele origin: germline.

Labcorp Genetics (formerly Invitae), Labcorp
Classification: Uncertain significance for Martsolf syndrome; Warburg micro syndrome 2. Last evaluated: 2019-08-14. Review status: criteria provided, single submitter. Criteria: Invitae Variant Classification Sherloc (09022015). Collection method: clinical testing. Allele origin: germline.
Comment: In summary, the available evidence is currently insufficient to determine the role of this variant in disease. Therefore, it has been classified as a Variant of Uncertain Significance. Algorithms developed to predict the effect of sequence changes on RNA splicing suggest that this variant may create or strengthen a splice site, but this prediction has not been confirmed by published transcriptional studies. This variant has not been reported in the literature in individuals with RAB3GAP2-related conditions. This variant is not present in population databases (ExAC no frequency). This sequence change affects codon 420 of the RAB3GAP2 mRNA. It is a 'silent' change, meaning that it does not change the encoded amino acid sequence of the RAB3GAP2 protein.